The following is an entry in ClinVar:

ClinVar aggregate classification (germline): Benign. Review status: criteria provided, multiple submitters, no conflicts (2 of 4 stars). 4 submissions from 4 submitters: Benign (3). 1 of the submissions does not count toward it. Last evaluated 2026-09-01.

Conditions:
NEPRO-related disorder. Also called: NEPRO-related condition.

Allele frequency attached by ClinVar (database versions not stated): 1000 Genomes Project 30x 0.00375; 1000 Genomes Project 0.00439; ESP Exome Variant Server 0.00884; TOPMed 0.00663; gnomAD 0.00858 and 0.00878.
gnomAD v4.1: 16,197 of 1,613,834 alleles (1%); highest among the groups gnomAD compares: Non-Finnish European, 1.1%; 94 homozygotes.

Submissions (15):

CeGaT Center for Human Genetics Tuebingen
Classification: Benign. Last evaluated: 2026-09-01. Review status: criteria provided, single submitter. Criteria: CeGaT Center For Human Genetics Tuebingen Variant Classification Criteria Version 2. Collection method: clinical testing. Allele origin: germline. Affected: yes. Observed: 7 variant alleles.
Comment: RMP64: BP4, BS1, BS2

Labcorp Genetics (formerly Invitae), Labcorp
Classification: Benign. Last evaluated: 2018-07-27. Review status: criteria provided, single submitter. Criteria: Invitae Variant Classification Sherloc (09022015). Collection method: clinical testing. Allele origin: germline.

Breakthrough Genomics
Classification: Benign. Review status: criteria provided, single submitter. Criteria: ACMG Guidelines, 2015. Collection method: not provided. Allele origin: germline. Inheritance: Autosomal recessive inheritance. Affected: yes.

PreventionGenetics, part of Exact Sciences
Classification: Likely benign for NEPRO-related condition. Last evaluated: 2019-10-30. Review status: no assertion criteria provided. Collection method: clinical testing. Allele origin: germline. Not counted in ClinVar's aggregate classification.
Comment: This variant is classified as likely benign based on ACMG/AMP sequence variant interpretation guidelines (Richards et al. 2015 PMID: 25741868, with internal and published modifications).

Dr. Peter K. Rogan Lab, Western University
No classification provided (evidence only). Condition: Clear cell carcinoma of kidney. Review status: no classification provided. Collection method: in vitro. Allele origin: not applicable. Functional consequence: retained intron. Not counted in ClinVar's aggregate classification.

Dr. Peter K. Rogan Lab, Western University
No classification provided (evidence only). Condition: Melanoma. Review status: no classification provided. Collection method: in vitro. Allele origin: not applicable. Functional consequence: retained intron. Not counted in ClinVar's aggregate classification.

Dr. Peter K. Rogan Lab, Western University
No classification provided (evidence only). Condition: Melanoma. Review status: no classification provided. Collection method: in vitro. Allele origin: not applicable. Functional consequence: retained intron. Not counted in ClinVar's aggregate classification.

Dr. Peter K. Rogan Lab, Western University
No classification provided (evidence only). Condition: Melanoma. Review status: no classification provided. Collection method: in vitro. Allele origin: not applicable. Functional consequence: retained intron. Not counted in ClinVar's aggregate classification.

Dr. Peter K. Rogan Lab, Western University
No classification provided (evidence only). Condition: Acute myeloid leukemia. Review status: no classification provided. Collection method: in vitro. Allele origin: not applicable. Functional consequence: retained intron. Not counted in ClinVar's aggregate classification.

Dr. Peter K. Rogan Lab, Western University
No classification provided (evidence only). Condition: Thyroid cancer, nonmedullary, 1. Review status: no classification provided. Collection method: in vitro. Allele origin: not applicable. Functional consequence: retained intron. Not counted in ClinVar's aggregate classification.

Dr. Peter K. Rogan Lab, Western University
No classification provided (evidence only). Condition: Hepatocellular carcinoma. Review status: no classification provided. Collection method: in vitro. Allele origin: not applicable. Functional consequence: retained intron. Not counted in ClinVar's aggregate classification.

Dr. Peter K. Rogan Lab, Western University
No classification provided (evidence only). Condition: Ovarian serous cystadenocarcinoma. Review status: no classification provided. Collection method: in vitro. Allele origin: not applicable. Functional consequence: retained intron. Not counted in ClinVar's aggregate classification.

Dr. Peter K. Rogan Lab, Western University
No classification provided (evidence only). Condition: Familial pancreatic carcinoma. Review status: no classification provided. Collection method: in vitro. Allele origin: not applicable. Functional consequence: retained intron. Not counted in ClinVar's aggregate classification.

Dr. Peter K. Rogan Lab, Western University
No classification provided (evidence only). Condition: Ovarian cancer. Review status: no classification provided. Collection method: in vitro. Allele origin: not applicable. Functional consequence: retained intron. Not counted in ClinVar's aggregate classification.

Dr. Peter K. Rogan Lab, Western University
No classification provided (evidence only). Condition: Ovarian cancer. Review status: no classification provided. Collection method: in vitro. Allele origin: not applicable. Functional consequence: retained intron. Not counted in ClinVar's aggregate classification.

NM_015412.4(RMP64):c.397G>A (p.Glu133Lys)

Gene: RMP64 (ribonuclease MRP subunit p64; minus strand). Cytogenetic location: 3q13.2.
Variant type: single nucleotide variant.
Coding change: c.397G>A on transcript NM_015412.4 (MANE Select); coding-DNA position 397, G replaced by A.
Protein change: p.Glu133Lys; replaces glutamic acid 133 with lysine.
Molecular consequence: missense variant. On other transcripts: 5 prime UTR variant (1), intron variant (2).
Genome position (GRCh38, 1-based): chr3:113,013,348, C>T on the plus strand (G>A on the coding strand, the complement: RMP64 is on the minus strand). VCF-style: chr3-113013348-C-T. GRCh37 (hg19) VCF-style: chr3-112732195-C-T.
Other names: NC_000003.11:g.112732195C>T; c.29G>A, p.Gly10Glu (NM_001319111.2); c.64G>A, p.Glu22Lys (NM_001319112.2); c.-12G>A (NM_001319114.2); c.106G>A, p.Glu36Lys (NM_001319115.2); c.50+605G>A (NM_001319110.2); c.341+605G>A (NM_001319109.2); short protein forms E133K, E22K, E36K, G10E.
Identifiers: ClinVar variation 774846 (VCV000774846.30), dbSNP rs147762157, ClinGen allele CA2542160.